The following is an entry in ClinVar:

ClinVar aggregate classification (germline): Likely benign (0 of 4 stars; one submission).

Conditions:
TRIP12-related disorder. Also called: TRIP12-related condition.

gnomAD v4.1: 2 of 1,614,010 alleles (0.00012%); highest among the groups gnomAD compares: African/African-American, 0.0013%; no homozygotes.

Submission:

PreventionGenetics, part of Exact Sciences
Classification: Likely benign for TRIP12-related condition. Last evaluated: 2024-08-26. Review status: no assertion criteria provided. Collection method: clinical testing. Allele origin: germline.
Comment: This variant is classified as likely benign based on ACMG/AMP sequence variant interpretation guidelines (Richards et al. 2015 PMID: 25741868, with internal and published modifications).

NM_001348323.3(TRIP12):c.4215+9C>A

Gene: TRIP12 (thyroid hormone receptor interactor 12; minus strand). Cytogenetic location: 2q36.3.
Variant type: single nucleotide variant.
Coding change: c.4215+9C>A on transcript NM_001348323.3 (MANE Select); 9 bases into the intron after coding-DNA position 4215, C replaced by A.
Molecular consequence: intron variant.
Genome position (GRCh38, 1-based): chr2:229,792,144, G>T on the plus strand (C>A on the coding strand, the complement: TRIP12 is on the minus strand). VCF-style: chr2-229792144-G-T. GRCh37 (hg19) VCF-style: chr2-230656860-G-T.
Other names: c.3180+9C>A (NM_001284216.2); c.3990+9C>A (NM_004238.3); c.3993+9C>A (NM_001348331.1); c.4074+9C>A (NM_001348317.1, NM_001348318.2); c.4089+9C>A (NM_001284215.2, NM_001348316.2); c.4113+9C>A (NM_001348332.1); c.4134+9C>A (NM_001284214.2, NM_001348315.2); c.4200+9C>A (NM_001348319.1, NM_001348320.2); and 4 more.
Identifiers: ClinVar variation 3354981 (VCV003354981.1).